The following is an entry in ClinVar:

NM_001367721.1(CASK):c.1076C>T (p.Ala359Val)

Gene: CASK (calcium/calmodulin dependent serine protein kinase; minus strand). Cytogenetic location: Xp11.4.
Variant type: single nucleotide variant.
Coding change: c.1076C>T on transcript NM_001367721.1 (MANE Select); coding-DNA position 1076, C replaced by T.
Protein change: p.Ala359Val; replaces alanine 359 with valine.
Molecular consequence: missense variant.
Genome position (GRCh38, 1-based): chrX:41,609,983, G>A on the plus strand (C>T on the coding strand, the complement: CASK is on the minus strand). VCF-style: chrX-41609983-G-A. GRCh37 (hg19) VCF-style: chrX-41469236-G-A.
Other names: c.1076C>T, p.Ala359Val (NM_001126054.3, NM_003688.4); c.1058C>T, p.Ala353Val (NM_001126055.3, NM_001410745.1); short protein forms A353V, A359V.
Identifiers: ClinVar variation 953563 (VCV000953563.6), dbSNP rs762180439, ClinGen allele CA10390266.

ClinVar aggregate classification (germline): Uncertain significance. Review status: criteria provided, multiple submitters, no conflicts (2 of 4 stars). 2 submissions from 2 submitters: Uncertain significance (2). Last evaluated 2026-01-21.

Conditions:
Intellectual disability, CASK-related, X-linked. Identifiers: MedGen CN043158.

Allele frequency attached by ClinVar (database versions not stated): ExAC 0.00001; gnomAD exomes 0.00001 and 0.00004; TOPMed 0.00002; gnomAD 0.00003.
gnomAD v4.1: 49 of 1,207,393 alleles (0.0041%); highest among the groups gnomAD compares: Non-Finnish European, 0.0052%; 1 homozygote.

Submissions (2):

Labcorp Genetics (formerly Invitae), Labcorp
Classification: Uncertain significance for Intellectual disability, CASK-related, X-linked. Last evaluated: 2026-01-21. Review status: criteria provided, single submitter. Criteria: Invitae Variant Classification Sherloc (09022015). Collection method: clinical testing. Allele origin: germline.
Comment: This sequence change replaces alanine, which is neutral and non-polar, with valine, which is neutral and non-polar, at codon 359 of the CASK protein (p.Ala359Val). The frequency data for this variant in the population databases is considered unreliable, as metrics indicate poor data quality at this position in the gnomAD database. This variant has not been reported in the literature in individuals affected with CASK-related conditions. ClinVar contains an entry for this variant (Variation ID: 953563). Invitae Evidence Modeling of protein sequence and biophysical properties (such as structural, functional, and spatial information, amino acid conservation, physicochemical variation, residue mobility, and thermodynamic stability) indicates that this missense variant is not expected to disrupt CASK protein function with a negative predictive value of 80%. In summary, the available evidence is currently insufficient to determine the role of this variant in disease. Therefore, it has been classified as a Variant of Uncertain Significance.

Blueprint Genetics
Classification: Uncertain significance. Last evaluated: 2022-09-21. Review status: criteria provided, single submitter. Criteria: ACMG Guidelines, 2015. Collection method: clinical testing. Allele origin: germline.